The following is an entry in ClinVar:

ClinVar aggregate classification (germline): Conflicting classifications of pathogenicity. Review status: criteria provided, conflicting classifications (1 of 4 stars). 2 submissions from 2 submitters: Uncertain significance (1); Likely benign (1). Last evaluated 2025-09-09.

Conditions:
Familial adenomatous polyposis 2. Also called: FAP type 2; COLORECTAL ADENOMATOUS POLYPOSIS, AUTOSOMAL RECESSIVE; ADENOMAS, MULTIPLE COLORECTAL, AUTOSOMAL RECESSIVE; MUTYH-associated polyposis; MUTYH-related attenuated familial adenomatous polyposis; MYH-associated polyposis. Identifiers: Orphanet 220460, Orphanet 247798, MedGen C3272841, MONDO:0012041, OMIM 608456.
Hereditary cancer-predisposing syndrome. Also called: Neoplastic Syndromes, Hereditary; Hereditary Cancer Syndrome; Hereditary neoplastic syndrome; Tumor predisposition. Identifiers: Orphanet 140162, MedGen C0027672, MeSH D009386, MONDO:0015356.

Submissions (2):

Ambry Genetics
Classification: Likely benign for Hereditary cancer-predisposing syndrome. Last evaluated: 2025-09-09. Review status: criteria provided, single submitter. Criteria: Ambry Variant Classification Scheme 2023. Collection method: clinical testing. Allele origin: germline.

Labcorp Genetics (formerly Invitae), Labcorp
Classification: Uncertain significance for Familial adenomatous polyposis 2. Last evaluated: 2025-01-19. Review status: criteria provided, single submitter. Criteria: Invitae Variant Classification Sherloc (09022015). Collection method: clinical testing. Allele origin: germline.
Comment: This sequence change replaces valine, which is neutral and non-polar, with isoleucine, which is neutral and non-polar, at codon 455 of the MUTYH protein (p.Val455Ile). This variant is not present in population databases (gnomAD no frequency). This variant has not been reported in the literature in individuals affected with MUTYH-related conditions. An algorithm developed to predict the effect of missense changes on protein structure and function (PolyPhen-2) suggests that this variant is likely to be disruptive. In summary, the available evidence is currently insufficient to determine the role of this variant in disease. Therefore, it has been classified as a Variant of Uncertain Significance.

NM_001048174.2(MUTYH):c.1279G>A (p.Val427Ile)

Gene: MUTYH (mutY DNA glycosylase; minus strand). Cytogenetic location: 1p34.1.
Variant type: single nucleotide variant.
Coding change: c.1279G>A on transcript NM_001048174.2 (MANE Select); coding-DNA position 1279, G replaced by A.
Protein change: p.Val427Ile; replaces valine 427 with isoleucine.
Molecular consequence: missense variant. On other transcripts: non-coding transcript variant (7).
Genome position (GRCh38, 1-based): chr1:45,331,295, C>T on the plus strand (G>A on the coding strand, the complement: MUTYH is on the minus strand). VCF-style: chr1-45331295-C-T. GRCh37 (hg19) VCF-style: chr1-45796967-C-T.
Other names: c.1279G>A, p.Val427Ile (NM_001048171.2, NM_001048173.2, NM_001293195.2 and 6 more transcripts); c.1282G>A, p.Val428Ile (NM_001048172.2, NM_001407071.1, NM_001407078.1 and 1 more transcripts); c.1363G>A, p.Val455Ile (NM_001128425.2); c.1324G>A, p.Val442Ile (NM_001293190.2); c.1312G>A, p.Val438Ile (NM_001293191.2, NM_001407069.1, NM_001407077.1); c.1003G>A, p.Val335Ile (NM_001293192.2, NM_001293196.2, NM_001407091.1); c.934G>A, p.Val312Ile (NM_001350650.2, NM_001350651.2, NM_001407082.1); c.1195G>A, p.Val399Ile (NM_001407075.1); and 5 more; short protein forms V441I, V452I, V312I, V399I, V414I, V427I, V434I, V442I.
Identifiers: ClinVar variation 3297058 (VCV003297058.3).